The following is an entry in ClinVar:

NM_024426.6(WT1):c.1399C>T (p.Arg467Trp)

Gene: WT1 (WT1 transcription factor; minus strand). Cytogenetic location: 11p13.
Variant type: single nucleotide variant.
Coding change: c.1399C>T on transcript NM_024426.6 (MANE Select); coding-DNA position 1399, C replaced by T.
Protein change: p.Arg467Trp; replaces arginine 467 with tryptophan.
Molecular consequence: missense variant. On other transcripts: non-coding transcript variant (1).
Genome position (GRCh38, 1-based): chr11:32,392,020, G>A on the plus strand (C>T on the coding strand, the complement: WT1 is on the minus strand). VCF-style: chr11-32392020-G-A. GRCh37 (hg19) VCF-style: chr11-32413566-G-A.
Other names: R394W; c.1348C>T, p.Arg450Trp (NM_000378.6, NM_001407045.1); c.748C>T, p.Arg250Trp (NM_001198551.2); c.697C>T, p.Arg233Trp (NM_001198552.2); c.211C>T, p.Arg71Trp (NM_001367854.1); c.1393C>T, p.Arg465Trp (NM_001407044.1); c.1276C>T, p.Arg426Trp (NM_001407047.1); c.1258C>T, p.Arg420Trp (NM_001407048.1); and 4 more; short protein forms R250W, R467W, R233W, R450W, R71W, R465W, R213W, R409W.
Identifiers: ClinVar variation 3487 (VCV000003487.34), dbSNP rs121907900, ClinGen allele CA016324.

ClinVar aggregate classification (germline): Pathogenic/Likely pathogenic. Review status: criteria provided, multiple submitters, no conflicts (2 of 4 stars). 23 submissions from 20 submitters: Pathogenic (14); Likely pathogenic (1). 8 of the submissions do not count toward it. Last evaluated 2025-09-04.

Conditions:
WT1-related disorder. Also called: WT1-related disorders. Identifiers: MedGen CN377814.
Kidney disorder. Also called: Nephropathy; renal disease; renal disorder; Kidney disease; Kidney Diseases. Identifiers: MedGen C0022658, MONDO:0005240, HP:0000112.
Inborn genetic diseases. Identifiers: MedGen C0950123, MeSH D030342.
Drash syndrome (DDS). Also called: NEPHROPATHY, WILMS TUMOR, AND GENITAL ANOMALIES; WILMS TUMOR AND PSEUDO- OR TRUE HERMAPHRODITISM. Identifiers: Orphanet 220, MedGen C0950121, MONDO:0008682, OMIM 194080.
Wilms tumor 1 (WT1). Also called: Wilms tumor, somatic. Identifiers: Orphanet 654, MedGen CN033288, MONDO:0008679, OMIM 194070.
11p partial monosomy syndrome (WAGR). Also called: CHROMOSOME 11p13 DELETION SYNDROME; WAGR Complex; WAGR syndrome; WAGR Spectrum Disorder. Identifiers: Orphanet 893, MedGen C0206115, MONDO:0008681, OMIM 194072.
Frasier syndrome. Identifiers: Orphanet 347, MedGen C0950122, MeSH D052159, MONDO:0007635, OMIM 136680.
Mesothelioma, malignant (MESOM). Also called: Malignant mesothelioma (disease). Identifiers: Orphanet 50251, MedGen C0345967, MONDO:0006292, OMIM 156240, HP:0100001.
Meacham syndrome. Also called: Meacham Winn Culler syndrome. Identifiers: Orphanet 3097, MedGen C1837026, MONDO:0012164, OMIM 608978.
Nephrotic syndrome, type 4 (NPHS4). Also called: Familial mesangial sclerosis; Nephrotic syndrome, early onset with diffuse mesangial sclerosis. Identifiers: Orphanet 656, MedGen C3151568, MONDO:0009733, OMIM 256370.
Nephrotic range proteinuria. Identifiers: MedGen C0445118, HP:0012593.
Steroid-resistant nephrotic syndrome. Identifiers: MedGen C0403397, MONDO:0044765, HP:0012588.

Submissions 1 to 10 of 23:

Labcorp Genetics (formerly Invitae), Labcorp
Classification: Pathogenic for Wilms tumor 1; Drash syndrome; 11p partial monosomy syndrome; Frasier syndrome. Last evaluated: 2025-09-04. Review status: criteria provided, single submitter. Criteria: Invitae Variant Classification Sherloc (09022015). Collection method: clinical testing. Allele origin: germline.
Comment: This sequence change replaces arginine, which is basic and polar, with tryptophan, which is neutral and slightly polar, at codon 462 of the WT1 protein (p.Arg462Trp). This variant is not present in population databases (gnomAD no frequency). This missense change has been observed in individual(s) with Denys-Drash syndrome, Wilms tumor, Meacham syndrome, and diffuse mesangial sclerosis with pseudohermaphroditism and/or Wilms tumor (PMID: 1327525, 1338906, 9529364, 17853480, 23715653). In at least one individual the variant was observed to be de novo. Invitae Evidence Modeling of clinical and family history, age, sex, and reported ancestry of multiple individuals with this WT1 variant has been performed. This variant is expected to be pathogenic with a positive predictive value of at least 99%. This is a validated machine learning model that incorporates the clinical features of 503,186 individuals referred to our laboratory for WT1 testing. This variant is also known as c.1180C>T (p.R394W). ClinVar contains an entry for this variant (Variation ID: 3487). Invitae Evidence Modeling of protein sequence and biophysical properties (such as structural, functional, and spatial information, amino acid conservation, physicochemical variation, residue mobility, and thermodynamic stability) indicates that this missense variant is expected to disrupt WT1 protein function with a positive predictive value of 95%. Experimental studies have shown that this missense change affects WT1 function (PMID: 1655284, 15509792). For these reasons, this variant has been classified as Pathogenic.

Ambry Genetics
Classification: Pathogenic for Inborn genetic diseases. Last evaluated: 2025-08-04. Review status: criteria provided, single submitter. Criteria: Ambry Variant Classification Scheme 2023. Collection method: clinical testing. Allele origin: germline.
Comment: The p.R462W pathogenic mutation (also known as c.1384C>T), located in coding exon 9 of the WT1 gene, results from a C to T substitution at nucleotide position 1384. The arginine at codon 462 is replaced by tryptophan, an amino acid with dissimilar properties. This variant was reported in individuals with features consistent with WT1-related disorder; in multiple individuals, it was determined to be de novo (Pelletier J et al. Cell, 1991 Oct;67:437-47; Jeanpierre C et al. Am J Hum Genet, 1998 Apr;62:824-33; Mazen I et al. Sex Dev, 2017 Jan;11:280-283; Sun S et al. Eur J Med Genet, 2020 Nov;63:104047; Arya S et al. Endocr Connect, 2021 Nov;10:1522-1530). This variant is considered to be rare based on population cohorts in the Genome Aggregation Database (gnomAD). This amino acid position is highly conserved in available vertebrate species. In addition, this alteration is predicted to be deleterious by in silico analysis. Based on the supporting evidence, this variant is interpreted as a disease-causing mutation.

3billion
Classification: Pathogenic for Nephrotic syndrome, type 4. Last evaluated: 2025-07-15. Review status: criteria provided, single submitter. Criteria: ACMG Guidelines, 2015. Collection method: clinical testing. Allele origin: germline. Affected: yes.
Comment: The variant is not observed in the gnomAD v4.1.0 dataset. Predicted Consequence/Location: The variant is located in a mutational hot spot and/or well-established functional domain in which established pathogenic variants have been reported. Functional studies provide strong evidence of the variant having a damaging effect on the gene or gene product (PMID: 15509792, 1655284). In silico tool predictions suggest damaging effect of the variant on gene or gene product [3Cnet: 0.99 (> 0.75, sensitivity 0.96 and precision 0.92)]. The same nucleotide change resulting in the same amino acid change has been previously reported as pathogenic/likely pathogenic with strong evidence (ClinVar ID: VCV000003487 /PMID: 1655284 /3billion dataset). Different missense changes at the same codon (p.Arg467Gln, p.Arg467Gly, p.Arg467Leu, p.Arg467Pro) have been reported as pathogenic/likely pathogenic with strong evidence (ClinVar ID: VCV000003491, VCV000419332 /PMID: 1302008, 15150775, 20595692, 9529364 /3billion dataset). Therefore, this variant is classified as Pathogenic according to the recommendation of ACMG/AMP guideline.

Athena Diagnostics
Classification: Pathogenic. Last evaluated: 2024-06-05. Review status: criteria provided, single submitter. Criteria: Athena Diagnostics Criteria. Collection method: clinical testing. Allele origin: unknown.
Comment: This variant has not been reported in large, multi-ethnic general populations. This variant has been identified in multiple unrelated individuals with clinical features of WT1-related disorders, and appears to occur de novo in several cases. In some published literature, this variant is referred to as c.1399C>T (p.Arg467Trp), c.748C>T (p.Arg250Trp), or c.1384C>T (p.Arg462Trp). Assessment of experimental evidence suggests this variant results in abnormal protein function. (PMID: 12970737, 15509792, 17496156, 23497137, 30450160, 31583044) At least one other missense variant at this codon is considered to be pathogenic or likely pathogenic, suggesting this variant may also cause disease.

Division of Genetic & Genomic Pathology, Hong Kong Children's Hospital
Classification: Pathogenic for WT1-related disorder. Last evaluated: 2024-05-22. Review status: criteria provided, single submitter. Criteria: ACMG Guidelines, 2015. Collection method: clinical testing. Allele origin: de novo. Affected: yes.
Comment: The de novo WT1 c.1399C>T p.(Arg467Trp) is a missense variant located in exon 9, affecting the DNA-binding helices of Zinc fingers 2 and 3 (PMID: 32352694). This variant has been reported as pathogenic in multiple cases of WT1-related disorder (PMID: 32352694; ClinVar: VCV000003487.22), and it is absent from control populations (gnomAD v2.1.1 and v4.1.0).

Fulgent Genetics
Classification: Pathogenic for Frasier syndrome; Mesothelioma, malignant; Wilms tumor 1; Drash syndrome; Nephrotic syndrome, type 4; Meacham syndrome. Last evaluated: 2024-04-20. Review status: criteria provided, single submitter. Criteria: ACMG Guidelines, 2015. Collection method: clinical testing. Allele origin: germline.

St. Jude Molecular Pathology, St. Jude Children's Research Hospital
Classification: Pathogenic for Wilms tumor 1. Last evaluated: 2024-04-17. Review status: criteria provided, single submitter. Criteria: St. Jude Assertion Criteria 2020. Collection method: clinical testing. Allele origin: germline. Affected: yes.
Comment: The WT1 c.1348C>T (p.Arg450Trp) missense change is absent in gnomAD v2.1.1. The in silico tool REVEL is inconclusive about a pathogenic or benign effect of this variant on protein function. Functional studies show that the variant alters the WT1 protein function (PMID: 1655284; 15509792). This variant has been reported in individuals with WT1-related conditions (PMID: 1655284, 1327525, 1338906, 9529364, 23715653). It has therefore been classified as pathogenic.

Precision Medicine Center, Zhengzhou University
Classification: Likely pathogenic for Nephrotic syndrome, type 4. Last evaluated: 2023-12-01. Review status: criteria provided, single submitter. Criteria: ACMG Guidelines, 2015. Collection method: clinical testing. Allele origin: de novo. Affected: yes.
Comment: PS2,PM2_p,PP3,PP4

Blueprint Genetics
Classification: Pathogenic for WT1-related disorders. Last evaluated: 2023-09-04. Review status: criteria provided, single submitter. Criteria: ACMG Guidelines, 2015. Collection method: clinical testing. Allele origin: germline. Affected: yes. Observed: 3 variant alleles.

Baylor Genetics
Classification: Pathogenic for Wilms tumor 1. Last evaluated: 2023-02-01. Review status: criteria provided, single submitter. Criteria: ACMG Guidelines, 2015. Collection method: clinical testing. Allele origin: unknown.